The following is an entry in ClinVar:

ClinVar aggregate classification (germline): Pathogenic (1 of 4 stars; one submission).

gnomAD v4.1: 2 of 1,613,368 alleles (0.00012%); highest among the groups gnomAD compares: Non-Finnish European, 0.00017%; no homozygotes.

Submission:

Labcorp Genetics (formerly Invitae), Labcorp
Classification: Pathogenic. Last evaluated: 2023-09-08. Review status: criteria provided, single submitter. Criteria: Invitae Variant Classification Sherloc (09022015). Collection method: clinical testing. Allele origin: germline.
Comment: This variant is not present in population databases (gnomAD no frequency). This variant has not been reported in the literature in individuals affected with ITGB4-related conditions. Algorithms developed to predict the effect of sequence changes on RNA splicing suggest that this variant may create or strengthen a splice site. For these reasons, this variant has been classified as Pathogenic. This sequence change creates a premature translational stop signal (p.Glu1168*) in the ITGB4 gene. It is expected to result in an absent or disrupted protein product. Loss-of-function variants in ITGB4 are known to be pathogenic (PMID: 11328943, 16473856).

Literature cited by the submitters: PubMed 11328943; PubMed 16473856.

NM_000213.5(ITGB4):c.3502G>T (p.Glu1168Ter)

Gene: ITGB4 (integrin subunit beta 4; plus strand). Cytogenetic location: 17q25.1.
Variant type: single nucleotide variant.
Coding change: c.3502G>T on transcript NM_000213.5 (MANE Select); coding-DNA position 3502, G replaced by T.
Protein change: p.Glu1168Ter; replaces glutamic acid 1168 with a stop codon.
Molecular consequence: nonsense.
Genome position (GRCh38, 1-based): chr17:75,750,707, G>T. VCF-style: chr17-75750707-G-T. GRCh37 (hg19) VCF-style: chr17-73746788-G-T.
Other names: c.3502G>T, p.Glu1168Ter (NM_001005619.2, NM_001005731.3, NM_001321123.2); short protein forms E1168*.
Identifiers: ClinVar variation 2967949 (VCV002967949.3), dbSNP rs777175509, ClinGen allele CA294080832.